The following is an entry in ClinVar:

NM_000059.4(BRCA2):c.4969A>G (p.Asn1657Asp)

Gene: BRCA2 (BRCA2 DNA repair associated; plus strand). Cytogenetic location: 13q13.1.
Variant type: single nucleotide variant.
Coding change: c.4969A>G on transcript NM_000059.4 (MANE Select); coding-DNA position 4969, A replaced by G.
Protein change: p.Asn1657Asp; replaces asparagine 1657 with aspartic acid.
Molecular consequence: missense variant.
Genome position (GRCh38, 1-based): chr13:32,339,324, A>G. VCF-style: chr13-32339324-A-G. GRCh37 (hg19) VCF-style: chr13-32913461-A-G.
Other names: short protein forms N1657D.
Identifiers: ClinVar variation 141243 (VCV000141243.19), dbSNP rs587781599, ClinGen allele CA021079.

ClinVar aggregate classification (germline): Conflicting classifications of pathogenicity. Review status: criteria provided, conflicting classifications (1 of 4 stars). 7 submissions from 7 submitters: Uncertain significance (5); Likely benign (2). Last evaluated 2025-12-11.

Conditions:
Hereditary cancer-predisposing syndrome. Also called: Hereditary neoplastic syndrome; Tumor predisposition; Hereditary Cancer Syndrome; Neoplastic Syndromes, Hereditary. Identifiers: Orphanet 140162, MedGen C0027672, MeSH D009386, MONDO:0015356.
Hereditary breast ovarian cancer syndrome. Also called: Hereditary breast and ovarian cancer; Hereditary breast and/or ovarian cancer syndrome; Hereditary breast and ovarian cancer syndrome; Hereditary breast and ovarian cancer syndrome (HBOC); BRCA1- and BRCA2-Associated Hereditary Breast and Ovarian Cancer; Breast and ovarian cancer. Identifiers: Orphanet 145, MedGen C0677776, MeSH D061325, MONDO:0003582. Disease mechanism: loss of function.
Breast-ovarian cancer, familial, susceptibility to, 2 (BROVCA2). Also called: BRCA2 Hereditary Breast and Ovarian Cancer. Identifiers: Orphanet 145, MedGen C2675520, MONDO:0012933, OMIM 612555. Disease mechanism: loss of function.

Allele frequency attached by ClinVar (database versions not stated): TOPMed below 0.00001.

Submissions (7):

Helix
Classification: Uncertain significance for Breast-ovarian cancer, familial, susceptibility to, 2. Last evaluated: 2025-12-11. Review status: criteria provided, single submitter. Criteria: ACMG Guidelines, 2015. Collection method: clinical testing. Allele origin: germline. Inheritance: Autosomal dominant inheritance.
Comment: This variant (NM_000059.4:c.4969A>G p.Asn1657Asp) results in the substitution of asparagine with aspartic acid at codon 1657 in the BRCA2 protein. It is a rare variant that is absent from the large gnomAD population database (v4.1). To our knowledge, this variant has not been reported in individuals with BRCA2-related conditions in the published literature. In silico prediction from REVEL (PMID: 27666373) suggests that this variant may be benign. This variant has been identified in individual(s) undergoing multigene panel testing (PMID: 31853058). This variant is present in ClinVar (Variation ID: 141243). In conclusion, since the available evidence is limited, the clinical significance of this variant is unclear at this time. Therefore, it is classified as a Variant of Uncertain Significance.

Labcorp Genetics (formerly Invitae), Labcorp
Classification: Uncertain significance for Hereditary breast ovarian cancer syndrome. Last evaluated: 2025-11-25. Review status: criteria provided, single submitter. Criteria: Invitae Variant Classification Sherloc (09022015). Collection method: clinical testing. Allele origin: germline.
Comment: This sequence change replaces asparagine, which is neutral and polar, with aspartic acid, which is acidic and polar, at codon 1657 of the BRCA2 protein (p.Asn1657Asp). This variant is not present in population databases (gnomAD no frequency). This variant has not been reported in the literature in individuals affected with BRCA2-related conditions. ClinVar contains an entry for this variant (Variation ID: 141243). Invitae Evidence Modeling of protein sequence and biophysical properties (such as structural, functional, and spatial information, amino acid conservation, physicochemical variation, residue mobility, and thermodynamic stability) indicates that this missense variant is not expected to disrupt BRCA2 protein function with a negative predictive value of 95%. RNA analysis performed to evaluate the impact of this missense change on mRNA splicing indicates it does not significantly alter splicing (internal data). In summary, the available evidence is currently insufficient to determine the role of this variant in disease. Therefore, it has been classified as a Variant of Uncertain Significance.

Ambry Genetics
Classification: Likely benign for Hereditary cancer-predisposing syndrome. Last evaluated: 2024-03-20. Review status: criteria provided, single submitter. Criteria: Ambry Variant Classification Scheme 2023. Collection method: clinical testing. Allele origin: germline.

University of Washington Department of Laboratory Medicine, University of Washington
Classification: Likely benign for Hereditary cancer-predisposing syndrome. Last evaluated: 2023-03-23. Review status: criteria provided, single submitter. Criteria: Dines et al. (Genet Med. 2020). Collection method: curation. Allele origin: germline.
Comment: Missense variant in a coldspot region where missense variants are very unlikely to be pathogenic (PMID:31911673).

BRCA2 exon 11 coldspot. Reclassification based on statistical prior probability.

Color Diagnostics, LLC DBA Color Health
Classification: Uncertain significance for Hereditary cancer-predisposing syndrome. Last evaluated: 2022-05-16. Review status: criteria provided, single submitter. Criteria: ACMG Guidelines, 2015. Collection method: clinical testing. Allele origin: germline.
Comment: This missense variant replaces asparagine with aspartic acid at codon 1657 of the BRCA2 protein. Computational prediction suggests that this variant may not impact protein structure and function (internally defined REVEL score threshold <= 0.5, PMID: 27666373). To our knowledge, functional studies have not been reported for this variant. This variant has not been reported in individuals affected with hereditary cancer in the literature. This variant has not been identified in the general population by the Genome Aggregation Database (gnomAD). The available evidence is insufficient to determine the role of this variant in disease conclusively. Therefore, this variant is classified as a Variant of Uncertain Significance.

Sema4
Classification: Uncertain significance for Hereditary cancer-predisposing syndrome. Last evaluated: 2021-11-14. Review status: criteria provided, single submitter. Criteria: Sema4 Curation Guidelines. Collection method: curation. Allele origin: germline.
Comment: The BRCA2 c.4969A>G (p.N1657D) variant has been reported in 1/53,461 controls, but not in a large dataset of 60,466 women with breast cancer (PMID 33471991). This variant is not reported in the large and broad cohorts of the Genome Aggregation Database (PMID: 32461654). This variant has been reported in ClinVar (Variation ID 141243). In silico tools suggest the impact of the variant on protein function is benign, though these predictions have not been confirmed by functional studies. There is no indication that this variant causes disease, but the evidence is insufficient currently to prove that conclusively. Thus, the clinical significance of this variant is currently uncertain.

Women's Health and Genetics/Laboratory Corporation of America, LabCorp
Classification: Uncertain significance. Last evaluated: 2017-04-04. Review status: criteria provided, single submitter. Criteria: LabCorp Variant Classification Summary - May 2015. Collection method: clinical testing. Allele origin: germline.
Comment: Variant summary: The BRCA2 c.4969A>G (p.Asn1657Asp) variant involves the alteration of a non-conserved nucleotide, resulting in a missense substitution. The variant does not lie within a known functional domain (InterPro) and 4/5 in silico tools predict a benign outcome for this variant. This variant is absent from the large control database ExAC (0/118880 control chromosomes). One clinical diagnostic laboratory classified this variant as uncertain significance. To our knowledge, the variant of interest has not been reported in affected individuals via publications, nor has it been evaluated for functional impact by in vivo/vitro studies. Because of the absence of clinical information and the lack of functional studies, this variant is classified as a variant of uncertain significance (VUS) until additional information becomes available.

Literature cited by the submitters: PubMed 33471991 (cited by Sema4).